The following is an entry in ClinVar:

ClinVar aggregate classification (germline): Uncertain significance (1 of 4 stars; one submission).

gnomAD v4.1: 2 of 1,613,988 alleles (0.00012%); highest among the groups gnomAD compares: Admixed American, 0.0033%; no homozygotes.

Submission:

Ambry Genetics
Classification: Uncertain significance. Last evaluated: 2024-11-23. Review status: criteria provided, single submitter. Criteria: Ambry Variant Classification Scheme 2023. Collection method: clinical testing. Allele origin: germline.
Comment: The p.D297Y variant (also known as c.889G>T), located in coding exon 1 of the TET2 gene, results from a G to T substitution at nucleotide position 889. The aspartic acid at codon 297 is replaced by tyrosine, an amino acid with highly dissimilar properties. This amino acid position is conserved. In addition, this alteration is predicted to be tolerated by in silico analysis. Based on the available evidence, the clinical significance of this variant remains unclear.

NM_001127208.3(TET2):c.889G>T (p.Asp297Tyr)

Genes: TET2 (tet methylcytosine dioxygenase 2; plus strand), TET2-AS1 (TET2 antisense RNA 1; minus strand). Cytogenetic location: 4q24.
Variant type: single nucleotide variant.
Coding change: c.889G>T on transcript NM_001127208.3 (MANE Select); coding-DNA position 889, G replaced by T.
Protein change: p.Asp297Tyr; replaces aspartic acid 297 with tyrosine.
Molecular consequence: missense variant.
Genome position (GRCh38, 1-based): chr4:105,234,831, G>T. VCF-style: chr4-105234831-G-T. GRCh37 (hg19) VCF-style: chr4-106155988-G-T.
Other names: c.889G>T, p.Asp297Tyr (NM_017628.4); short protein forms D297Y.
Identifiers: ClinVar variation 3455325 (VCV003455325.1).